The following is an entry in ClinVar:

ClinVar aggregate classification (germline): Uncertain significance (1 of 4 stars; one submission).

Allele frequency attached by ClinVar (database versions not stated): TOPMed below 0.00001.
gnomAD v4.1: 11 of 1,614,190 alleles (0.00068%); highest among the groups gnomAD compares: Non-Finnish European, 0.00093%; no homozygotes.

Submission:

Labcorp Genetics (formerly Invitae), Labcorp
Classification: Uncertain significance. Last evaluated: 2024-04-25. Review status: criteria provided, single submitter. Criteria: Invitae Variant Classification Sherloc (09022015). Collection method: clinical testing. Allele origin: germline.
Comment: This sequence change replaces arginine, which is basic and polar, with glycine, which is neutral and non-polar, at codon 118 of the COL11A2 protein (p.Arg118Gly). This variant is not present in population databases (gnomAD no frequency). This variant has not been reported in the literature in individuals affected with COL11A2-related conditions. ClinVar contains an entry for this variant (Variation ID: 1418398). Advanced modeling of protein sequence and biophysical properties (such as structural, functional, and spatial information, amino acid conservation, physicochemical variation, residue mobility, and thermodynamic stability) performed at Invitae indicates that this missense variant is not expected to disrupt COL11A2 protein function with a negative predictive value of 95%. In summary, the available evidence is currently insufficient to determine the role of this variant in disease. Therefore, it has been classified as a Variant of Uncertain Significance.

NM_080680.3(COL11A2):c.352C>G (p.Arg118Gly)

Gene: COL11A2 (collagen type XI alpha 2 chain; minus strand). Cytogenetic location: 6p21.32.
Variant type: single nucleotide variant.
Coding change: c.352C>G on transcript NM_080680.3 (MANE Select); coding-DNA position 352, C replaced by G.
Protein change: p.Arg118Gly; replaces arginine 118 with glycine.
Molecular consequence: missense variant.
Genome position (GRCh38, 1-based): chr6:33,189,069, G>C on the plus strand (C>G on the coding strand, the complement: COL11A2 is on the minus strand). VCF-style: chr6-33189069-G-C. GRCh37 (hg19) VCF-style: chr6-33156846-G-C.
Other names: c.352C>G, p.Arg118Gly (NM_001163771.2, NM_080679.3, NM_080681.3); short protein forms R118G.
Identifiers: ClinVar variation 1418398 (VCV001418398.7), dbSNP rs1433241638, ClinGen allele CA363612515.